The following is an entry in ClinVar:

ClinVar aggregate classification (germline): Uncertain significance (1 of 4 stars; one submission).

Conditions:
Hereditary cancer-predisposing syndrome. Also called: Neoplastic Syndromes, Hereditary; Tumor predisposition; Hereditary neoplastic syndrome; Hereditary Cancer Syndrome. Identifiers: Orphanet 140162, MedGen C0027672, MeSH D009386, MONDO:0015356.

gnomAD v4.1: 1 of 1,598,294 alleles (0.000063%); highest among the groups gnomAD compares: African/African-American, 0.0013%; no homozygotes.

Submission:

Ambry Genetics
Classification: Uncertain significance for Hereditary cancer-predisposing syndrome. Last evaluated: 2026-06-28. Review status: criteria provided, single submitter. Criteria: Ambry Variant Classification Scheme 2023. Collection method: clinical testing. Allele origin: germline.
Comment: The p.K523E variant (also known as c.1567A>G), located in coding exon 8 of the RET gene, results from an A to G substitution at nucleotide position 1567. The lysine at codon 523 is replaced by glutamic acid, an amino acid with similar properties. This amino acid position is conserved. In addition, the in silico prediction for this alteration is inconclusive. Based on the available evidence, the clinical significance of this variant remains unclear.

NM_020975.6(RET):c.1567A>G (p.Lys523Glu)

Gene: RET (ret proto-oncogene; plus strand). Cytogenetic location: 10q11.21.
Variant type: single nucleotide variant.
Coding change: c.1567A>G on transcript NM_020975.6 (MANE Select); coding-DNA position 1567, A replaced by G.
Protein change: p.Lys523Glu; replaces lysine 523 with glutamic acid.
Molecular consequence: missense variant.
Genome position (GRCh38, 1-based): chr10:43,112,143, A>G. VCF-style: chr10-43112143-A-G. GRCh37 (hg19) VCF-style: chr10-43607591-A-G.
Other names: c.841A>G, p.Lys281Glu (NM_001406775.1, NM_001406776.1, NM_001406777.1 and 1 more transcripts); c.670A>G, p.Lys224Glu (NM_001406779.1, NM_001406780.1, NM_001406781.1 and 3 more transcripts); c.541A>G, p.Lys181Glu (NM_001406783.1, NM_001406786.1); c.805A>G, p.Lys269Glu (NM_001355216.2); c.1567A>G, p.Lys523Glu (NM_001406743.1, NM_001406744.1, NM_001406759.1 and 4 more transcripts); c.1438A>G, p.Lys480Glu (NM_001406761.1, NM_001406762.1, NM_001406764.1 and 1 more transcripts); c.118A>G, p.Lys40Glu (NM_001406794.1, NM_001406792.1, NM_001406793.1); c.1279A>G, p.Lys427Glu (NM_001406766.1, NM_001406767.1, NM_001406770.1); and 5 more; short protein forms K128E, K269E, K523E, K193E, K40E, K480E, K181E, K348E.
Identifiers: ClinVar variation 5028163 (VCV005028163.1).